The following is an entry in ClinVar:

NM_005188.4(CBL):c.195+5A>G

Gene: CBL (Cbl proto-oncogene; plus strand). Cytogenetic location: 11q23.3.
Variant type: single nucleotide variant.
Coding change: c.195+5A>G on transcript NM_005188.4 (MANE Select); 5 bases into the intron after coding-DNA position 195, A replaced by G.
Molecular consequence: intron variant.
Genome position (GRCh38, 1-based): chr11:119,206,617, A>G. VCF-style: chr11-119206617-A-G. GRCh37 (hg19) VCF-style: chr11-119077327-A-G.
Identifiers: ClinVar variation 1035004 (VCV001035004.6), dbSNP rs1949271201, ClinGen allele CA942780249.
Genomic context (GRCh38, chr11:119,206,617, plus strand): 5'-CGCCGGGGACGGTGGACAAGAAGATGGTGGAGAAGTGCTGGAAGCTCATGGACAAGGTGA[A>G]AGGCCGGCTGAGCGCCCGCTGTTGCAGGGTGGGCGTGGGCGGAGGGCCGCGGGGAGGGGA-3'

ClinVar aggregate classification (germline): Uncertain significance (1 of 4 stars; one submission).

Conditions:
RASopathy. Also called: Noonan spectrum disorder; rasopathies. Identifiers: Orphanet 536391, MedGen C5555857, MONDO:0021060.

Allele frequency attached by ClinVar (database versions not stated): gnomAD 0.00001.
gnomAD v4.1: 1 of 1,546,518 alleles (0.000065%); highest among the groups gnomAD compares: African/African-American, 0.0014%; no homozygotes.

Submission:

Labcorp Genetics (formerly Invitae), Labcorp
Classification: Uncertain significance for RASopathy. Last evaluated: 2025-10-24. Review status: criteria provided, single submitter. Criteria: Invitae Variant Classification Sherloc (09022015). Collection method: clinical testing. Allele origin: germline.
Comment: This sequence change falls in intron 1 of the CBL gene. It does not directly change the encoded amino acid sequence of the CBL protein. It affects a nucleotide within the consensus splice site. This variant is not present in population databases (gnomAD no frequency). This variant has not been reported in the literature in individuals affected with CBL-related conditions. ClinVar contains an entry for this variant (Variation ID: 1035004). Variants that disrupt the consensus splice site are a relatively common cause of aberrant splicing (PMID: 17576681, 9536098). Algorithms developed to predict the effect of sequence changes on RNA splicing suggest that this variant is not likely to affect RNA splicing. In summary, the available evidence is currently insufficient to determine the role of this variant in disease. Therefore, it has been classified as a Variant of Uncertain Significance.

Literature cited by the submitters: PubMed 17576681; PubMed 9536098.